The following is an entry in ClinVar:

ClinVar aggregate classification (germline): Benign/Likely benign. Review status: criteria provided, multiple submitters, no conflicts (2 of 4 stars). 2 submissions from 2 submitters: Benign (1); Likely benign (1). Last evaluated 2026-02-01.

Conditions:
CLPX-related disorder. Also called: CLPX-related condition.

Allele frequency attached by ClinVar (database versions not stated): 1000 Genomes Project 30x 0.00031; 1000 Genomes Project 0.00040; ESP Exome Variant Server 0.00177; ExAC 0.00188.
gnomAD v4.1: 4,358 of 1,590,204 alleles (0.27%); highest among the groups gnomAD compares: Non-Finnish European, 0.33%; 3 homozygotes.

Submissions (2):

Labcorp Genetics (formerly Invitae), Labcorp
Classification: Benign. Last evaluated: 2026-02-01. Review status: criteria provided, single submitter. Criteria: Invitae Variant Classification Sherloc (09022015). Collection method: clinical testing. Allele origin: germline.

PreventionGenetics, part of Exact Sciences
Classification: Likely benign for CLPX-related condition. Last evaluated: 2024-12-05. Review status: criteria provided, single submitter. Criteria: ACMG Guidelines, 2015. Collection method: clinical testing. Allele origin: germline.
Comment: This variant is classified as likely benign based on ACMG/AMP sequence variant interpretation guidelines (Richards et al. 2015 PMID: 25741868, with internal and published modifications).

NM_006660.5(CLPX):c.95G>C (p.Arg32Pro)

Gene: CLPX (caseinolytic mitochondrial matrix peptidase chaperone subunit X; minus strand). Cytogenetic location: 15q22.31.
Variant type: single nucleotide variant.
Coding change: c.95G>C on transcript NM_006660.5 (MANE Select); coding-DNA position 95, G replaced by C.
Protein change: p.Arg32Pro; replaces arginine 32 with proline.
Molecular consequence: missense variant. On other transcripts: non-coding transcript variant (1).
Genome position (GRCh38, 1-based): chr15:65,180,189, C>G on the plus strand (G>C on the coding strand, the complement: CLPX is on the minus strand). VCF-style: chr15-65180189-C-G. GRCh37 (hg19) VCF-style: chr15-65472527-C-G.
Other names: c.95G>C (NM_006660.4); short protein forms R32P.
Identifiers: ClinVar variation 1600518 (VCV001600518.9), dbSNP rs142954778, ClinGen allele CA7614972.